The following is an entry in ClinVar:

ClinVar aggregate classification (germline): Uncertain significance (1 of 4 stars; one submission).

Submission:

Clinical Genomics Laboratory, Laboratory for Precision Diagnostics, University of Washington
Classification: Uncertain significance. Last evaluated: 2022-07-22. Review status: criteria provided, single submitter. Criteria: ACMG/ClinGen CNV Guidelines, 2019. Collection method: clinical testing. Allele origin: unknown. Affected: yes. Observed: 1 variant allele.

GRCh38/hg38 2q12.1-12.2(chr2:105192205-105606763)x1

Genes: C2orf49 (chromosome 2 open reading frame 49; plus strand), C2orf49-DT (C2orf49 divergent transcript; minus strand), FHL2 (four and a half LIM domains 2; minus strand), GPR45 (G protein-coupled receptor 45; plus strand), LINC02946 (long intergenic non-protein coding RNA 2946; minus strand) and 8 more. Cytogenetic location: 2q12.1-12.2.
Variant type: copy number loss.
Change: copy number 1 (one copy instead of two) of chr2:105,192,205-105,606,763 (414.6 kb, GRCh38 coordinates, 1-based), cytogenetic band 2q12.1-12.2.
Identifiers: ClinVar variation 4852099 (VCV004852099.1).